The following is an entry in ClinVar:

ClinVar aggregate classification (germline): Uncertain significance (1 of 4 stars; one submission).

Conditions:
Fanconi anemia (FA). Also called: Fanconi's anemia. Identifiers: Orphanet 84, MedGen C0015625, MeSH D005199, MONDO:0019391.

Submission:

Labcorp Genetics (formerly Invitae), Labcorp
Classification: Uncertain significance for Fanconi anemia. Last evaluated: 2025-12-13. Review status: criteria provided, single submitter. Criteria: Invitae Variant Classification Sherloc (09022015). Collection method: clinical testing. Allele origin: germline.
Comment: This sequence change replaces lysine, which is basic and polar, with arginine, which is basic and polar, at codon 1955 of the FANCM protein (p.Lys1955Arg). This variant is not present in population databases (gnomAD no frequency). This variant has not been reported in the literature in individuals affected with FANCM-related conditions. An algorithm developed to predict the effect of missense changes on protein structure and function (PolyPhen-2) suggests that this variant is likely to be disruptive. In summary, the available evidence is currently insufficient to determine the role of this variant in disease. Therefore, it has been classified as a Variant of Uncertain Significance.

NM_020937.4(FANCM):c.5864A>G (p.Lys1955Arg)

Gene: FANCM (FA complementation group M; plus strand). Cytogenetic location: 14q21.2.
Variant type: single nucleotide variant.
Coding change: c.5864A>G on transcript NM_020937.4 (MANE Select); coding-DNA position 5864, A replaced by G.
Protein change: p.Lys1955Arg; replaces lysine 1955 with arginine.
Molecular consequence: missense variant.
Genome position (GRCh38, 1-based): chr14:45,198,791, A>G. VCF-style: chr14-45198791-A-G. GRCh37 (hg19) VCF-style: chr14-45667994-A-G.
Other names: c.5786A>G, p.Lys1929Arg (NM_001308133.2); short protein forms K1929R, K1955R.
Identifiers: ClinVar variation 4744515 (VCV004744515.1).